The following is an entry in ClinVar:

ClinVar aggregate classification (germline): Uncertain significance (1 of 4 stars; one submission).

Allele frequency attached by ClinVar (database versions not stated): gnomAD 0.00001; gnomAD exomes 0.00003; TOPMed 0.00003; ExAC 0.00004.
gnomAD v4.1: 29 of 1,613,838 alleles (0.0018%); highest among the groups gnomAD compares: Middle Eastern, 0.033%; 1 homozygote.

Submission:

GeneDx
Classification: Uncertain significance. Last evaluated: 2020-01-02. Review status: criteria provided, single submitter. Criteria: GeneDx Variant Classification Process June 2021. Collection method: clinical testing. Allele origin: germline. Affected: yes.
Comment: In silico analysis, which includes protein predictors and evolutionary conservation, supports a deleterious effect; Has not been previously published as pathogenic or benign to our knowledge

NM_207361.6(FREM2):c.2053G>A (p.Gly685Arg)

Gene: FREM2 (FRAS1 related extracellular matrix 2; plus strand). Cytogenetic location: 13q13.3.
Variant type: single nucleotide variant.
Coding change: c.2053G>A on transcript NM_207361.6 (MANE Select); coding-DNA position 2053, G replaced by A.
Protein change: p.Gly685Arg; replaces glycine 685 with arginine.
Molecular consequence: missense variant.
Genome position (GRCh38, 1-based): chr13:38,689,397, G>A. VCF-style: chr13-38689397-G-A. GRCh37 (hg19) VCF-style: chr13-39263534-G-A.
Other names: short protein forms G685R.
Identifiers: ClinVar variation 1311793 (VCV001311793.2), dbSNP rs773636566, ClinGen allele CA6954525.